The following is an entry in ClinVar:

ClinVar aggregate classification (germline): Likely benign. Review status: criteria provided, multiple submitters, no conflicts (2 of 4 stars). 3 submissions from 3 submitters: Likely benign (2). 1 of the submissions does not count toward it. Last evaluated 2025-05-26.

Conditions:
PHIP-related disorder. Also called: PHIP-related disorders; PHIP-related condition.
Inborn genetic diseases. Identifiers: MedGen C0950123, MeSH D030342.

gnomAD v4.1: 30 of 1,610,252 alleles (0.0019%); highest among the groups gnomAD compares: Middle Eastern, 0.017%; no homozygotes.

Submissions (3):

Ambry Genetics
Classification: Likely benign for Inborn genetic diseases. Last evaluated: 2025-05-26. Review status: criteria provided, single submitter. Criteria: Ambry Variant Classification Scheme 2023. Collection method: clinical testing. Allele origin: germline.

Labcorp Genetics (formerly Invitae), Labcorp
Classification: Likely benign. Last evaluated: 2024-10-16. Review status: criteria provided, single submitter. Criteria: Invitae Variant Classification Sherloc (09022015). Collection method: clinical testing. Allele origin: germline.

PreventionGenetics, part of Exact Sciences
Classification: Likely benign for PHIP-related condition. Last evaluated: 2022-10-05. Review status: no assertion criteria provided. Collection method: clinical testing. Allele origin: germline. Not counted in ClinVar's aggregate classification.
Comment: This variant is classified as likely benign based on ACMG/AMP sequence variant interpretation guidelines (Richards et al. 2015 PMID: 25741868, with internal and published modifications).

NM_017934.7(PHIP):c.2925C>T (p.Val975=)

Genes: IRAK1BP1 (interleukin 1 receptor associated kinase 1 binding protein 1; plus strand), PHIP (PHIP subunit of CUL4-Ring ligase complex; minus strand). Cytogenetic location: 6q14.1.
Variant type: single nucleotide variant.
Coding change: c.2925C>T on transcript NM_017934.7 (MANE Select); coding-DNA position 2925, C replaced by T.
Protein change: p.Val975=; no amino-acid change (valine 975 retained).
Molecular consequence: synonymous variant.
Genome position (GRCh38, 1-based): chr6:78,970,853, G>A on the plus strand (C>T on the coding strand, the complement: PHIP is on the minus strand). VCF-style: chr6-78970853-G-A. GRCh37 (hg19) VCF-style: chr6-79680570-G-A.
Other names: c.2925C>T (NM_017934.6, NM_017934.5).
Identifiers: ClinVar variation 1948561 (VCV001948561.7), dbSNP rs140757402, ClinGen allele CA3899823.
Genomic context (GRCh38, chr6:78,970,853, plus strand): 5'-TTTATGCCATGGTTGTTTTTTGGGATTGATACTATATATTTTATTTTTCCGGGCCATTTC[G>A]ACATAGGCTTCATGTCCTTGTCGGAAATAATAAACCTAAAAAATAAAGTCATAATCTTAC-3'
Protein context (NP_060404.4, residues 965-985): YYFRQGHEAY[Val975=]EMARKNKIYS